The following is an entry in ClinVar:

NM_001032386.2(SUOX):c.1154G>A (p.Ser385Asn)

Gene: SUOX (sulfite oxidase; plus strand). Cytogenetic location: 12q13.2.
Variant type: single nucleotide variant.
Coding change: c.1154G>A on transcript NM_001032386.2 (MANE Select); coding-DNA position 1154, G replaced by A.
Protein change: p.Ser385Asn; replaces serine 385 with asparagine.
Molecular consequence: missense variant.
Genome position (GRCh38, 1-based): chr12:56,004,543, G>A. VCF-style: chr12-56004543-G-A. GRCh37 (hg19) VCF-style: chr12-56398327-G-A.
Other names: c.1154G>A, p.Ser385Asn (NM_000456.3, NM_001032387.2); short protein forms S385N.
Identifiers: ClinVar variation 1395932 (VCV001395932.7), dbSNP rs1419017583, ClinGen allele CA385291474.

ClinVar aggregate classification (germline): Uncertain significance (1 of 4 stars; one submission).

Conditions:
Sulfite oxidase deficiency. Also called: Isolated sulfite oxidase deficiency. Identifiers: Orphanet 833, Orphanet 99731, MedGen C0268624, MONDO:0010089, OMIM 272300, HP:0003643.

Submission:

Labcorp Genetics (formerly Invitae), Labcorp
Classification: Uncertain significance for Sulfite oxidase deficiency. Last evaluated: 2021-11-30. Review status: criteria provided, single submitter. Criteria: Invitae Variant Classification Sherloc (09022015). Collection method: clinical testing. Allele origin: germline.
Comment: In summary, the available evidence is currently insufficient to determine the role of this variant in disease. Therefore, it has been classified as a Variant of Uncertain Significance. Algorithms developed to predict the effect of missense changes on protein structure and function are either unavailable or do not agree on the potential impact of this missense change (SIFT: "Tolerated"; PolyPhen-2: "Possibly Damaging"; Align-GVGD: "Class C0"). This variant has not been reported in the literature in individuals affected with SUOX-related conditions. This variant is present in population databases (no rsID available, gnomAD 0.003%). This sequence change replaces serine, which is neutral and polar, with asparagine, which is neutral and polar, at codon 385 of the SUOX protein (p.Ser385Asn).